The following is an entry in ClinVar:

ClinVar aggregate classification (germline): Pathogenic (1 of 4 stars; one submission).

Submission:

Labcorp Genetics (formerly Invitae), Labcorp
Classification: Pathogenic. Last evaluated: 2022-03-24. Review status: criteria provided, single submitter. Criteria: Invitae Variant Classification Sherloc (09022015). Collection method: clinical testing. Allele origin: germline.
Comment: For these reasons, this variant has been classified as Pathogenic. This variant has not been reported in the literature in individuals affected with HPGD-related conditions. This variant is not present in population databases (gnomAD no frequency). This sequence change creates a premature translational stop signal (p.Tyr121Leufs*4) in the HPGD gene. It is expected to result in an absent or disrupted protein product. Loss-of-function variants in HPGD are known to be pathogenic (PMID: 18500342, 19568269, 24533558, 24816859).

Literature cited by the submitters: PubMed 18500342; PubMed 19568269; PubMed 24533558; PubMed 24816859.

NM_000860.6(HPGD):c.361dup (p.Tyr121fs)

Gene: HPGD (15-hydroxyprostaglandin dehydrogenase; minus strand). Cytogenetic location: 4q34.1.
Variant type: Duplication.
Coding change: c.361dup on transcript NM_000860.6 (MANE Select); coding-DNA position 361, one base duplicated (T; older notation c.361dupT).
Protein change: p.Tyr121fs; shifts the reading frame from tyrosine 121.
Molecular consequence: frameshift variant. On other transcripts: 5 prime UTR variant (2), intron variant (1).
Genome position (GRCh38, 1-based): chr4:174,508,756, A duplicated on the plus strand (T on the coding strand, the reverse complement: HPGD is on the minus strand); the first of 2 consecutive A bases (chr4:174,508,756-174,508,757); duplicating either gives the same sequence. VCF-style (leftmost placement, unchanged base first): chr4-174508755-T-TA. GRCh37 (hg19) VCF-style: chr4-175429906-T-TA.
Other names: c.361dup, p.Tyr121fs (NM_001256305.2, NM_001363574.2, NM_001145816.3); c.-3dup (NM_001256307.2, NM_001256301.1); c.218-13132dup (NM_001256306.2); short protein forms Y121fs.
Identifiers: ClinVar variation 2116436 (VCV002116436.4), dbSNP rs2477896212, ClinGen allele CA2580071674.